The following is an entry in ClinVar:

NM_001031725.6(DDX59):c.1423A>G (p.Ile475Val)

Gene: DDX59 (DEAD-box helicase 59; minus strand). Cytogenetic location: 1q32.1.
Variant type: single nucleotide variant.
Coding change: c.1423A>G on transcript NM_001031725.6 (MANE Select); coding-DNA position 1423, A replaced by G.
Protein change: p.Ile475Val; replaces isoleucine 475 with valine.
Molecular consequence: missense variant. On other transcripts: intron variant (1).
Genome position (GRCh38, 1-based): chr1:200,649,118, T>C on the plus strand (A>G on the coding strand, the complement: DDX59 is on the minus strand). VCF-style: chr1-200649118-T-C. GRCh37 (hg19) VCF-style: chr1-200618246-T-C.
Other names: c.1423A>G, p.Ile475Val (NM_001320181.2, NM_001349799.3, NM_001349800.3 and 2 more transcripts); c.1081A>G, p.Ile361Val (NM_001320182.1); c.1171A>G, p.Ile391Val (NM_001349803.3); c.1063-4601A>G (NM_001349804.2); short protein forms I361V, I391V, I475V.
Identifiers: ClinVar variation 730282 (VCV000730282.28), dbSNP rs79204709, ClinGen allele CA1318282.
Genomic context (GRCh38, chr1:200,649,118, plus strand): 5'-ATATTGGGTGTCAAACCTTCAATATGTTTTTCCTTTCTATTTGCGACTTCTCTGAATGTA[T>C]AGATATGCTTTTCAGCCCTGTGATTTTCTGAACGGCTTCACTCAAAAGATCTGCTCCTAG-3'
Protein context (NP_001026895.2, residues 465-485): QKITGLKSIS[Ile475Val]HSEKSQIERK

ClinVar aggregate classification (germline): Benign/Likely benign. Review status: criteria provided, multiple submitters, no conflicts (2 of 4 stars). 3 submissions from 3 submitters: Benign (2); Likely benign (1). Last evaluated 2025-12-10.

Allele frequency attached by ClinVar (database versions not stated): gnomAD exomes 0.00053 and 0.00117; ExAC 0.00139; ESP Exome Variant Server 0.00446; TOPMed 0.00462; 1000 Genomes Project 30x 0.00578; 1000 Genomes Project 0.00599.
gnomAD v4.1: 1,443 of 1,583,544 alleles (0.091%); highest among the groups gnomAD compares: African/African-American, 1.4%; 4 homozygotes.

Submissions (3):

Labcorp Genetics (formerly Invitae), Labcorp
Classification: Benign. Last evaluated: 2025-12-10. Review status: criteria provided, single submitter. Criteria: Invitae Variant Classification Sherloc (09022015). Collection method: clinical testing. Allele origin: germline.

CeGaT Center for Human Genetics Tuebingen
Classification: Likely benign. Last evaluated: 2024-10-01. Review status: criteria provided, single submitter. Criteria: CeGaT Center For Human Genetics Tuebingen Variant Classification Criteria Version 2. Collection method: clinical testing. Allele origin: germline. Affected: yes. Observed: 3 variant alleles.
Comment: DDX59: BP4, BS1

Breakthrough Genomics
Classification: Benign. Review status: criteria provided, single submitter. Criteria: ACMG Guidelines, 2015. Collection method: not provided. Allele origin: germline. Inheritance: Autosomal recessive inheritance. Affected: yes.